The following is an entry in ClinVar:

ClinVar aggregate classification (germline): Uncertain significance (1 of 4 stars; one submission).

Allele frequency attached by ClinVar (database versions not stated): gnomAD 0.00001; TOPMed 0.00001.
gnomAD v4.1: 1 of 1,613,336 alleles (0.000062%); highest among the groups gnomAD compares: Non-Finnish European, 0.000085%; no homozygotes.

Submission:

GeneDx
Classification: Uncertain significance. Last evaluated: 2022-07-01. Review status: criteria provided, single submitter. Criteria: GeneDx Variant Classification Process June 2021. Collection method: clinical testing. Allele origin: germline. Affected: yes.
Comment: Not observed at significant frequency in large population cohorts (gnomAD); In silico analysis supports that this missense variant does not alter protein structure/function; Has not been previously published as pathogenic or benign to our knowledge

NM_001374353.1(GLI2):c.403A>G (p.Ser135Gly)

Gene: GLI2 (GLI family zinc finger 2; plus strand). Cytogenetic location: 2q14.2.
Variant type: single nucleotide variant.
Coding change: c.403A>G on transcript NM_001374353.1 (MANE Select); coding-DNA position 403, A replaced by G.
Protein change: p.Ser135Gly; replaces serine 135 with glycine.
Molecular consequence: missense variant.
Genome position (GRCh38, 1-based): chr2:120,951,391, A>G. VCF-style: chr2-120951391-A-G. GRCh37 (hg19) VCF-style: chr2-121708967-A-G.
Other names: c.403A>G, p.Ser135Gly (NM_001371271.1, NM_005270.5); c.28A>G, p.Ser10Gly (NM_001374354.1); short protein forms S10G, S135G.
Identifiers: ClinVar variation 1809935 (VCV001809935.1), dbSNP rs1364039736, ClinGen allele CA348162150.